The following is an entry in ClinVar:

NM_001267550.2(TTN):c.56778del (p.Thr18927fs)

Genes: TTN (titin; minus strand), TTN-AS1 (TTN antisense RNA 1; plus strand). Cytogenetic location: 2q31.2.
Variant type: Deletion.
Coding change: c.56778del on transcript NM_001267550.2 (MANE Select); coding-DNA position 56778, one base deleted (C; older notation c.56778delC).
Protein change: p.Thr18927fs; shifts the reading frame from threonine 18927.
Molecular consequence: frameshift variant.
Genome position (GRCh38, 1-based): chr2:178,598,932, G deleted on the plus strand (C on the coding strand, the reverse complement: TTN is on the minus strand); the first of 2 consecutive G bases (chr2:178,598,932-178,598,933); deleting either gives the same sequence. VCF-style (leftmost placement, unchanged base first): chr2-178598931-TG-T. GRCh37 (hg19) VCF-style: chr2-179463658-TG-T.
Other names: c.51855del, p.Thr17286fs (NM_001256850.1); c.29583del, p.Thr9862fs (NM_003319.4); c.49074del, p.Thr16359fs (NM_133378.4); c.29958del, p.Thr9987fs (NM_133432.3); c.30159del, p.Thr10054fs (NM_133437.4); short protein forms T10054fs, T16359fs, T17286fs, T18927fs, T9862fs, T9987fs.
Identifiers: ClinVar variation 3757178 (VCV003757178.2).
Genomic context (GRCh38, chr2:178,598,931, plus strand): 5'-AAACACCCAAAGTCATGGCTTTGATAGGATCTCGGTTAACTCTCTTCCATCTCTTTGAAG[TG>T]GTGTCTTTCATTTCCAGCCAGTACCCTGTCACAGGAGAGCCTCCATCATATTCTGGCTCT-3'

ClinVar aggregate classification (germline): Likely pathogenic (1 of 4 stars; one submission).

Conditions:
Dilated cardiomyopathy 1G (CMD1G). Identifiers: Orphanet 154, MedGen C1858763, MONDO:0011400, OMIM 604145.
Autosomal recessive limb-girdle muscular dystrophy type 2J (LGMDR10). Also called: Limb-girdle muscular dystrophy, type 2J; MUSCULAR DYSTROPHY, LIMB-GIRDLE, AUTOSOMAL RECESSIVE 10. Identifiers: Orphanet 140922, MedGen C1837342, MONDO:0012127, OMIM 608807.

Submission:

Labcorp Genetics (formerly Invitae), Labcorp
Classification: Likely pathogenic for Dilated cardiomyopathy 1G; Autosomal recessive limb-girdle muscular dystrophy type 2J. Last evaluated: 2024-07-08. Review status: criteria provided, single submitter. Criteria: Invitae Variant Classification Sherloc (09022015). Collection method: clinical testing. Allele origin: germline.
Comment: This sequence change creates a premature translational stop signal (p.Thr18927Leufs*16) in the TTN gene. While this is not anticipated to result in nonsense mediated decay, it is expected to create a truncated TTN protein. This variant is not present in population databases (gnomAD no frequency). This variant has not been reported in the literature in individuals affected with TTN-related conditions. This variant is located in the A band of TTN (PMID: 25589632). Truncating variants in this region are significantly overrepresented in patients affected with dilated cardiomyopathy (PMID: 25589632). Truncating variants in this region have also been reported in individuals affected with autosomal recessive centronuclear myopathy (PMID: 23975875). In summary, the currently available evidence indicates that the variant is pathogenic, but additional data are needed to prove that conclusively. Therefore, this variant has been classified as Likely Pathogenic.

Literature cited by the submitters: PubMed 25589632; PubMed 23975875.